The following is an entry in ClinVar:

NM_017777.4(MKS1):c.1158A>G (p.Glu386=)

Gene: MKS1 (MKS transition zone complex subunit 1; minus strand). Cytogenetic location: 17q22.
Variant type: single nucleotide variant.
Coding change: c.1158A>G on transcript NM_017777.4 (MANE Select); coding-DNA position 1158, A replaced by G.
Protein change: p.Glu386=; no amino-acid change (glutamic acid 386 retained).
Molecular consequence: synonymous variant.
Genome position (GRCh38, 1-based): chr17:58,208,112, T>C on the plus strand (A>G on the coding strand, the complement: MKS1 is on the minus strand). VCF-style: chr17-58208112-T-C. GRCh37 (hg19) VCF-style: chr17-56285473-T-C.
Other names: c.549A>G, p.Glu183= (NM_001321268.2); c.1158A>G, p.Glu386= (NM_001321269.2, NM_001330397.2).
Identifiers: ClinVar variation 211501 (VCV000211501.16), dbSNP rs797045705, ClinGen allele CA209743.
Genomic context (GRCh38, chr17:58,208,112, plus strand): 5'-ACAGCACTGCTTGAGGGGAACCAAGGCCCAGGATCAACTGCTGAGCTACTCACCAGAAGA[T>C]TCATCCTCATGGAGGAAGAAGGCTTCAAACGTGAATGGGTAGGAGAAGTGAGCCACCTTG-3'
Protein context (NP_060247.2, residues 376-396): TFEAFFLHED[Glu386=]SSDALPEWPV

ClinVar aggregate classification (germline): Conflicting classifications of pathogenicity. Review status: criteria provided, conflicting classifications (1 of 4 stars). 3 submissions from 3 submitters: Uncertain significance (1); Likely benign (1). 1 of the submissions does not count toward it. Last evaluated 2023-09-19.

Conditions:
MKS1-related disorder. Also called: MKS1-related condition; MKS1-related disorders. Identifiers: MedGen CN239382.
Meckel-Gruber syndrome. Also called: DYSENCEPHALIA SPLANCHNOCYSTICA; GRUBER SYNDROME; Dysencephalia splachnocystica. Identifiers: Orphanet 564, MedGen C0265215, MONDO:0018921.
Joubert syndrome. Also called: Familial aplasia of the vermis; JOUBERT-BOLTSHAUSER SYNDROME. Identifiers: Orphanet 475, MedGen C5979921, MONDO:0018772.

Allele frequency attached by ClinVar (database versions not stated): TOPMed below 0.00001.

Submissions (3):

Labcorp Genetics (formerly Invitae), Labcorp
Classification: Likely benign for Joubert syndrome; Meckel-Gruber syndrome. Last evaluated: 2023-09-19. Review status: criteria provided, single submitter. Criteria: Invitae Variant Classification Sherloc (09022015). Collection method: clinical testing. Allele origin: germline.

Genetic Services Laboratory, University of Chicago
Classification: Uncertain significance. Last evaluated: 2015-02-01. Review status: criteria provided, single submitter. Criteria: ACMG Guidelines, 2015. Collection method: clinical testing. Allele origin: germline.

PreventionGenetics, part of Exact Sciences
Classification: Likely benign for MKS1-related condition. Last evaluated: 2022-12-01. Review status: no assertion criteria provided. Collection method: clinical testing. Allele origin: germline. Not counted in ClinVar's aggregate classification.
Comment: This variant is classified as likely benign based on ACMG/AMP sequence variant interpretation guidelines (Richards et al. 2015 PMID: 25741868, with internal and published modifications).